The following is an entry in ClinVar:

NM_001010867.4(IBA57):c.346C>T (p.Gln116Ter)

Gene: IBA57 (iron-sulfur cluster assembly factor IBA57; plus strand). Cytogenetic location: 1q42.13.
Variant type: single nucleotide variant.
Coding change: c.346C>T on transcript NM_001010867.4 (MANE Select); coding-DNA position 346, C replaced by T.
Protein change: p.Gln116Ter; replaces glutamine 116 with a stop codon.
Molecular consequence: nonsense. On other transcripts: 5 prime UTR variant (1).
Genome position (GRCh38, 1-based): chr1:228,174,696, C>T. VCF-style: chr1-228174696-C-T. GRCh37 (hg19) VCF-style: chr1-228362397-C-T.
Other names: c.-234C>T (NM_001310327.2); short protein forms Q116*.
Identifiers: ClinVar variation 1323088 (VCV001323088.6), dbSNP rs1339829600, ClinGen allele CA345111377.

ClinVar aggregate classification (germline): Pathogenic/Likely pathogenic. Review status: criteria provided, multiple submitters, no conflicts (2 of 4 stars). 3 submissions from 3 submitters: Pathogenic (2); Likely pathogenic (1). Last evaluated 2025-02-17.

Conditions:
Multiple mitochondrial dysfunctions syndrome 3 (MMDS3). Identifiers: Orphanet 363424, MedGen C3809165, MONDO:0014132, OMIM 615330.

Allele frequency attached by ClinVar (database versions not stated): TOPMed below 0.00001.
gnomAD v4.1: 2 of 1,559,602 alleles (0.00013%); highest among the groups gnomAD compares: African/African-American, 0.0027%; no homozygotes.

Submissions (3):

GeneDx
Classification: Likely pathogenic. Last evaluated: 2025-02-17. Review status: criteria provided, single submitter. Criteria: GeneDx Variant Classification Process June 2021. Collection method: clinical testing. Allele origin: germline. Affected: yes.
Comment: Nonsense variant predicted to result in protein truncation or nonsense mediated decay in a gene for which loss of function is a known mechanism of disease; Not observed at significant frequency in large population cohorts (gnomAD); Has not been previously published as pathogenic or benign to our knowledge

Genomic Medicine Center of Excellence, King Faisal Specialist Hospital and Research Centre
Classification: Pathogenic for Multiple mitochondrial dysfunctions syndrome 3. Last evaluated: 2024-12-18. Review status: criteria provided, single submitter. Criteria: ACMG Guidelines, 2015. Collection method: clinical testing. Allele origin: germline.

Revvity Omics, Revvity
Classification: Pathogenic. Last evaluated: 2020-11-16. Review status: criteria provided, single submitter. Criteria: ACMG Guidelines, 2015. Collection method: clinical testing. Allele origin: germline.